The following is an entry in ClinVar:

ClinVar aggregate classification (germline): Uncertain significance (1 of 4 stars; one submission).

Submission:

GeneDx
Classification: Uncertain significance. Last evaluated: 2024-04-22. Review status: criteria provided, single submitter. Criteria: GeneDx Variant Classification Process June 2021. Collection method: clinical testing. Allele origin: germline. Affected: yes.
Comment: Not observed at significant frequency in large population cohorts (gnomAD); In silico analysis indicates that this missense variant does not alter protein structure/function; Has not been previously published as pathogenic or benign to our knowledge

NM_018263.6(ASXL2):c.773C>A (p.Thr258Asn)

Gene: ASXL2 (ASXL transcriptional regulator 2; minus strand). Cytogenetic location: 2p23.3.
Variant type: single nucleotide variant.
Coding change: c.773C>A on transcript NM_018263.6 (MANE Select); coding-DNA position 773, C replaced by A.
Protein change: p.Thr258Asn; replaces threonine 258 with asparagine.
Molecular consequence: missense variant. On other transcripts: 5 prime UTR variant (1).
Genome position (GRCh38, 1-based): chr2:25,767,585, G>T on the plus strand (C>A on the coding strand, the complement: ASXL2 is on the minus strand). VCF-style: chr2-25767585-G-T. GRCh37 (hg19) VCF-style: chr2-25990454-G-T.
Other names: c.599C>A, p.Thr200Asn (NM_001369346.1); c.-8C>A (NM_001369347.1); short protein forms T200N, T258N.
Identifiers: ClinVar variation 3372896 (VCV003372896.1).
Genomic context (GRCh38, chr2:25,767,585, plus strand): 5'-AAACATGTAGCTGATAAATCATGGCAATGAAAACTGAAGTCTTTGTAAGCAAACTTACTG[G>T]TATGGAGTCTCTCAGATCTCTGGAATGACTTCTTCCCCAAGCCTAGTAAAGTATTTTCCA-3'
Protein context (NP_060733.4, residues 248-268): KSFQRSERLH[Thr258Asn]RQMKRTKCAD